The following is an entry in ClinVar:

ClinVar aggregate classification (germline): Pathogenic (1 of 4 stars; one submission).

Conditions:
Familial adenomatous polyposis 1 (FAP1). Also called: FAMILIAL ADENOMATOUS POLYPOSIS 1, ATTENUATED; POLYPOSIS, ADENOMATOUS INTESTINAL. Identifiers: MedGen C2713442, MONDO:0021056, OMIM 175100. Disease mechanism: loss of function.

Submission:

Victorian Clinical Genetics Services, Murdoch Childrens Research Institute
Classification: Pathogenic for Familial adenomatous polyposis 1. Last evaluated: 2026-05-27. Review status: criteria provided, single submitter. Criteria: ACMG Guidelines, 2015. Collection method: clinical testing. Allele origin: germline.
Comment: This variant is classified as Pathogenic. Evidence in support of pathogenic classification: Variant is predicted to cause nonsense-mediated decay (NMD) and loss of protein (premature termination codon is located at least 54 nucleotides upstream of the final exon-exon junction); Variant is absent from gnomAD (v2, v3 and v4); Other NMD-predicted variant(s) comparable to the one identified in this case have very strong previous evidence for pathogenicity (DECIPHER). Additional information: This variant is heterozygous; This gene is associated with autosomal dominant disease; Loss of function is a known mechanism of disease in this gene and is associated with familial adenomatous polyposis coli (FAP; MIM#175100); The condition associated with this gene has incomplete penetrance in association with attenuated FAP; however, classic FAP is reported to have complete penetrance (PMID: 20301519); Variants in this gene are known to have variable expressivity, with known intrafamilial and interfamilial variability (PMID: 20301519); Inheritance information for this variant is not currently available in this individual.

Literature cited by the submitters: PubMed 20301519.

NM_000038.6(APC):c.685del (p.Leu229fs)

Gene: APC (APC regulator of Wnt signaling pathway; plus strand). Cytogenetic location: 5q22.2.
Variant type: Deletion.
Coding change: c.685del on transcript NM_000038.6 (MANE Select); coding-DNA position 685, one base deleted (C; older notation c.685delC).
Protein change: p.Leu229fs; shifts the reading frame from leucine 229.
Molecular consequence: frameshift variant. On other transcripts: 5 prime UTR variant (4), non-coding transcript variant (2), intron variant (5).
Genome position (GRCh38, 1-based): chr5:112,792,485, C deleted. VCF-style (leftmost placement, unchanged base first): chr5-112792484-AC-A. GRCh37 (hg19) VCF-style: chr5-112128181-AC-A.
Other names: c.685del, p.Leu229fs (NM_001127510.3, NM_001354895.2, NM_001354896.2 and 12 more transcripts); c.715del, p.Leu239fs (NM_001354897.2, NM_001354902.2, NM_001407446.1); c.610del, p.Leu204fs (NM_001354898.2, NM_001354904.2, NM_001407451.1); c.508del, p.Leu170fs (NM_001354900.2, NM_001354901.2, NM_001354905.2 and 1 more transcripts); c.-351del (NM_001407470.1, NM_001407471.1, NM_001407472.1 and 1 more transcripts); c.646-8794del (NM_001407452.1, NM_001407469.1, NM_001354899.2 and 1 more transcripts); c.676-8794del (NM_001127511.3); short protein forms L170fs, L204fs, L229fs, L239fs.
Identifiers: ClinVar variation 4879725 (VCV004879725.1).
Genomic context (GRCh38, chr5:112,792,484, plus strand): 5'-TAGGTTTCTTGTTTTATTTTAGCGAAGAATAGCCAGAATTCAGCAAATCGAAAAGGACAT[AC>A]TTCGTATACGACAGCTTTTACAGTCCCAAGCAACAGAAGCAGAGGTTAGTAAATTGCCTT-3'